The following is an entry in ClinVar:

NM_001127644.2(GABRA1):c.261T>C (p.Tyr87=)

Gene: GABRA1 (gamma-aminobutyric acid type A receptor subunit alpha1; plus strand). Cytogenetic location: 5q34.
Variant type: single nucleotide variant.
Coding change: c.261T>C on transcript NM_001127644.2 (MANE Select); coding-DNA position 261, T replaced by C.
Protein change: p.Tyr87=; no amino-acid change (tyrosine 87 retained).
Molecular consequence: synonymous variant.
Genome position (GRCh38, 1-based): chr5:161,873,122, T>C. VCF-style: chr5-161873122-T-C. GRCh37 (hg19) VCF-style: chr5-161300128-T-C.
Other names: c.261T>C, p.Tyr87= (NM_000806.5, NM_001127643.2, NM_001127645.2 and 1 more transcripts).
Identifiers: ClinVar variation 390316 (VCV000390316.7), dbSNP rs1057523723, ClinGen allele CA16604736.

ClinVar aggregate classification (germline): Likely benign. Review status: criteria provided, multiple submitters, no conflicts (2 of 4 stars). 2 submissions from 2 submitters: Likely benign (2). Last evaluated 2018-08-20.

Conditions:
Epilepsy, childhood absence 4 (ECA4). Also called: EPILEPSY, CHILDHOOD ABSENCE, SUSCEPTIBILITY TO, 4. Identifiers: Orphanet 307, MedGen C1970160.
Idiopathic generalized epilepsy. Also called: Generalised epilepsy; EIG. Identifiers: MedGen C0270850, MONDO:0005579, OMIM 600669.
Epilepsy, idiopathic generalized, susceptibility to, 13. Also called: EPILEPSY, JUVENILE MYOCLONIC, SUSCEPTIBILITY TO, 5. Identifiers: Orphanet 307, Orphanet 64280, MedGen C4013473, MONDO:0012627, OMIM 611136.

Submissions (2):

Labcorp Genetics (formerly Invitae), Labcorp
Classification: Likely benign for Epilepsy, childhood absence 4; Epilepsy, idiopathic generalized, susceptibility to, 13; Idiopathic generalized epilepsy. Last evaluated: 2018-08-20. Review status: criteria provided, single submitter. Criteria: Invitae Variant Classification Sherloc (09022015). Collection method: clinical testing. Allele origin: germline.

GeneDx
Classification: Likely benign. Last evaluated: 2016-10-25. Review status: criteria provided, single submitter. Criteria: GeneDx Variant Classification (06012015). Collection method: clinical testing. Allele origin: germline. Affected: yes.
Comment: This variant is considered likely benign or benign based on one or more of the following criteria: it is a conservative change, it occurs at a poorly conserved position in the protein, it is predicted to be benign by multiple in silico algorithms, and/or has population frequency not consistent with disease.